The following is an entry in ClinVar:

NM_001267550.2(TTN):c.22776T>C (p.Asp7592=)

Gene: TTN (titin; minus strand). Cytogenetic location: 2q31.2.
Variant type: single nucleotide variant.
Coding change: c.22776T>C on transcript NM_001267550.2 (MANE Select); coding-DNA position 22776, T replaced by C.
Protein change: p.Asp7592=; no amino-acid change (aspartic acid 7592 retained).
Molecular consequence: synonymous variant. On other transcripts: intron variant (3).
Genome position (GRCh38, 1-based): chr2:178,721,887, A>G on the plus strand (T>C on the coding strand, the complement: TTN is on the minus strand). VCF-style: chr2-178721887-A-G. GRCh37 (hg19) VCF-style: chr2-179586614-A-G.
Other names: c.21825T>C, p.Asp7275= (NM_001256850.1); c.19044T>C, p.Asp6348= (NM_133378.4); c.13282+16195T>C (NM_003319.4); c.13858+16195T>C (NM_133437.4); c.13657+16195T>C (NM_133432.3).
Identifiers: ClinVar variation 1152791 (VCV001152791.15), dbSNP rs2154301453, ClinGen allele CA430287199.
Genomic context (GRCh38, chr2:178,721,887, plus strand): 5'-CAAAAGTCATGGAATGATACCTTTTACACTGAGCTGAGCTGAGCACATGTCTTTGCCAAC[A>G]TCATTGGTTGCTTGGCAAGTATATTGACCAGAGTCTCCTTTGCCTACTTTAAGAATTCTC-3'
Protein context (NP_001254479.2, residues 7582-7602): SGQYTCQATN[Asp7592=]VGKDMCSAQL

ClinVar aggregate classification (germline): Likely benign. Review status: criteria provided, multiple submitters, no conflicts (2 of 4 stars). 2 submissions from 2 submitters: Likely benign (2). Last evaluated 2025-10-01.

Conditions:
Dilated cardiomyopathy 1G (CMD1G). Identifiers: Orphanet 154, MedGen C1858763, MONDO:0011400, OMIM 604145.
Autosomal recessive limb-girdle muscular dystrophy type 2J (LGMDR10). Also called: MUSCULAR DYSTROPHY, LIMB-GIRDLE, AUTOSOMAL RECESSIVE 10; Limb-girdle muscular dystrophy, type 2J. Identifiers: Orphanet 140922, MedGen C1837342, MONDO:0012127, OMIM 608807.

gnomAD v4.1: 2 of 1,613,036 alleles (0.00012%); highest among the groups gnomAD compares: Non-Finnish European, 0.00017%; no homozygotes.

Submissions (2):

CeGaT Center for Human Genetics Tuebingen
Classification: Likely benign. Last evaluated: 2025-10-01. Review status: criteria provided, single submitter. Criteria: CeGaT Center For Human Genetics Tuebingen Variant Classification Criteria Version 2. Collection method: clinical testing. Allele origin: germline. Affected: yes. Observed: 1 variant allele.
Comment: TTN: BP4, BP7

Labcorp Genetics (formerly Invitae), Labcorp
Classification: Likely benign for Dilated cardiomyopathy 1G; Autosomal recessive limb-girdle muscular dystrophy type 2J. Last evaluated: 2020-10-20. Review status: criteria provided, single submitter. Criteria: Invitae Variant Classification Sherloc (09022015). Collection method: clinical testing. Allele origin: germline.